The following is an entry in ClinVar:

ClinVar aggregate classification (germline): Likely benign. Review status: criteria provided, multiple submitters, no conflicts (2 of 4 stars). 5 submissions from 5 submitters: Likely benign (5). Last evaluated 2026-01-26.

Conditions:
ABCA4-related disorder. Also called: ABCA4-related condition; ABCA4-related disorders. Identifiers: MedGen CN239167.

Allele frequency attached by ClinVar (database versions not stated): ESP Exome Variant Server 0.00008; TOPMed 0.00011; gnomAD exomes 0.00012; ExAC 0.00013; gnomAD 0.00014.
gnomAD v4.1: 207 of 1,614,178 alleles (0.013%); highest among the groups gnomAD compares: Middle Eastern, 0.25%; no homozygotes.

Submissions (5):

Labcorp Genetics (formerly Invitae), Labcorp
Classification: Likely benign. Last evaluated: 2026-01-26. Review status: criteria provided, single submitter. Criteria: Invitae Variant Classification Sherloc (09022015). Collection method: clinical testing. Allele origin: germline.

PreventionGenetics, part of Exact Sciences
Classification: Likely benign for ABCA4-related condition. Last evaluated: 2025-06-25. Review status: criteria provided, single submitter. Criteria: ACMG Guidelines, 2015. Collection method: clinical testing. Allele origin: germline.
Comment: This variant is classified as likely benign based on ACMG/AMP sequence variant interpretation guidelines (Richards et al. 2015 PMID: 25741868, with internal and published modifications).

Blueprint Genetics
Classification: Likely benign. Last evaluated: 2024-07-24. Review status: criteria provided, single submitter. Criteria: ACMG Guidelines, 2015. Collection method: clinical testing. Allele origin: germline.

GeneDx
Classification: Likely benign. Last evaluated: 2019-10-07. Review status: criteria provided, single submitter. Criteria: GeneDx Variant Classification Process June 2021. Collection method: clinical testing. Allele origin: germline. Affected: yes.
Comment: This variant is associated with the following publications: (PMID: 10958763)

Breakthrough Genomics
Classification: Likely benign. Review status: criteria provided, single submitter. Criteria: ACMG Guidelines, 2015. Collection method: not provided. Allele origin: germline. Inheritance: Autosomal recessive inheritance. Affected: yes.

NM_000350.3(ABCA4):c.3264C>T (p.Pro1088=)

Gene: ABCA4 (ATP binding cassette subfamily A member 4; minus strand). Cytogenetic location: 1p22.1.
Variant type: single nucleotide variant.
Coding change: c.3264C>T on transcript NM_000350.3 (MANE Select); coding-DNA position 3264, C replaced by T.
Protein change: p.Pro1088=; no amino-acid change (proline 1088 retained).
Molecular consequence: synonymous variant.
Genome position (GRCh38, 1-based): chr1:94,042,825, G>A on the plus strand (C>T on the coding strand, the complement: ABCA4 is on the minus strand). VCF-style: chr1-94042825-G-A. GRCh37 (hg19) VCF-style: chr1-94508381-G-A.
Other names: c.3042C>T, p.Pro1014= (NM_001425324.1).
Identifiers: ClinVar variation 516701 (VCV000516701.17), dbSNP rs140876019, ClinGen allele CA957999.
Genomic context (GRCh38, chr1:94,042,825, plus strand): 5'-GCGATACTTCAGGAGCAGATCCCAGATTGAGCGTCTCGAGTAAGGGTCCACCCCAGAGGT[G>A]GGTTCGTCCAGAATCACCACCTTGGCATCTCCCACAAAGGCAATGGCAACCGACAGCTTT-3'
Protein context (NP_000341.2, residues 1078-1098): GDAKVVILDE[Pro1088=]TSGVDPYSRR